The following is an entry in ClinVar:

ClinVar aggregate classification (germline): Pathogenic (1 of 4 stars; one submission).

Conditions:
Transcobalamin II deficiency (TCN2D). Also called: TC II DEFICIENCY; TCN2 DEFICIENCY; Transcolabamin II deficiency. Identifiers: Orphanet 859, MedGen C0342701, MONDO:0010149, OMIM 275350.

Allele frequency attached by ClinVar (database versions not stated): TOPMed below 0.00001; gnomAD 0.00001; ExAC 0.00002.

Submission:

Labcorp Genetics (formerly Invitae), Labcorp
Classification: Pathogenic for Transcobalamin II deficiency. Last evaluated: 2023-04-26. Review status: criteria provided, single submitter. Criteria: Invitae Variant Classification Sherloc (09022015). Collection method: clinical testing. Allele origin: germline.
Comment: This premature translational stop signal has been observed in individual(s) with TCN2-related conditions (PMID: 33023511). Algorithms developed to predict the effect of sequence changes on RNA splicing suggest that this variant may disrupt the consensus splice site. For these reasons, this variant has been classified as Pathogenic. This variant is present in population databases (rs769078432, gnomAD 0.006%). This sequence change creates a premature translational stop signal (p.Gln345*) in the TCN2 gene. It is expected to result in an absent or disrupted protein product. Loss-of-function variants in TCN2 are known to be pathogenic (PMID: 7980584, 20352340).

Literature cited by the submitters: PubMed 33023511; PubMed 7980584; PubMed 20352340.

NM_000355.4(TCN2):c.1033C>T (p.Gln345Ter)

Gene: TCN2 (transcobalamin 2; plus strand). Cytogenetic location: 22q12.2.
Variant type: single nucleotide variant.
Coding change: c.1033C>T on transcript NM_000355.4 (MANE Select); coding-DNA position 1033, C replaced by T.
Protein change: p.Gln345Ter; replaces glutamine 345 with a stop codon.
Molecular consequence: nonsense.
Genome position (GRCh38, 1-based): chr22:30,617,422, C>T. VCF-style: chr22-30617422-C-T. GRCh37 (hg19) VCF-style: chr22-31013409-C-T.
Other names: c.952C>T, p.Gln318Ter (NM_001184726.2); short protein forms Q345*, Q318*.
Identifiers: ClinVar variation 2982426 (VCV002982426.3), dbSNP rs769078432, ClinGen allele CA10184937.